The following is an entry in ClinVar:

NM_005236.3(ERCC4):c.1682G>A (p.Ser561Asn)

Gene: ERCC4 (ERCC excision repair 4, endonuclease catalytic subunit; plus strand). Cytogenetic location: 16p13.12.
Variant type: single nucleotide variant.
Coding change: c.1682G>A on transcript NM_005236.3 (MANE Select); coding-DNA position 1682, G replaced by A.
Protein change: p.Ser561Asn; replaces serine 561 with asparagine.
Molecular consequence: missense variant.
Genome position (GRCh38, 1-based): chr16:13,935,614, G>A. VCF-style: chr16-13935614-G-A. GRCh37 (hg19) VCF-style: chr16-14029471-G-A.
Other names: short protein forms S561N.
Identifiers: ClinVar variation 4540210 (VCV004540210.1).

ClinVar aggregate classification (germline): Uncertain significance (1 of 4 stars; one submission).

gnomAD v4.1: 6 of 1,614,088 alleles (0.00037%); highest among the groups gnomAD compares: Non-Finnish European, 0.00051%; no homozygotes.

Submission:

GeneDx
Classification: Uncertain significance. Last evaluated: 2025-06-25. Review status: criteria provided, single submitter. Criteria: GeneDx Variant Classification Process June 2021. Collection method: clinical testing. Allele origin: germline. Affected: yes.
Comment: Not observed at significant frequency in large population cohorts (gnomAD); In silico analysis suggests that this missense variant does not alter protein structure/function; Has not been previously published as pathogenic or benign to our knowledge